The following is an entry in ClinVar:

ClinVar aggregate classification (germline): Uncertain significance. Review status: criteria provided, multiple submitters, no conflicts (2 of 4 stars). 2 submissions from 2 submitters: Uncertain significance (2). Last evaluated 2026-09-01.

Conditions:
Inborn genetic diseases. Identifiers: MedGen C0950123, MeSH D030342.

Submissions (2):

CeGaT Center for Human Genetics Tuebingen
Classification: Uncertain significance. Last evaluated: 2026-09-01. Review status: criteria provided, single submitter. Criteria: CeGaT Center For Human Genetics Tuebingen Variant Classification Criteria Version 2. Collection method: clinical testing. Allele origin: germline. Affected: yes. Observed: 1 variant allele.
Comment: ANK3: PM2

Ambry Genetics
Classification: Uncertain significance for Inborn genetic diseases. Last evaluated: 2026-07-08. Review status: criteria provided, single submitter. Criteria: Ambry Variant Classification Scheme 2023. Collection method: clinical testing. Allele origin: germline.

NM_020987.5(ANK3):c.1985G>A (p.Arg662Gln)

Gene: ANK3 (ankyrin 3; minus strand). Cytogenetic location: 10q21.2.
Variant type: single nucleotide variant.
Coding change: c.1985G>A on transcript NM_020987.5 (MANE Select); coding-DNA position 1985, G replaced by A.
Protein change: p.Arg662Gln; replaces arginine 662 with glutamine.
Molecular consequence: missense variant.
Genome position (GRCh38, 1-based): chr10:60,186,815, C>T on the plus strand (G>A on the coding strand, the complement: ANK3 is on the minus strand). VCF-style: chr10-60186815-C-T. GRCh37 (hg19) VCF-style: chr10-61946573-C-T.
Other names: c.1967G>A, p.Arg656Gln (NM_001204403.2); c.1934G>A, p.Arg645Gln (NM_001204404.2); c.1985G>A, p.Arg662Gln (NM_001320874.2); short protein forms R645Q, R656Q, R662Q.
Identifiers: ClinVar variation 5022295 (VCV005022295.2).
Genomic context (GRCh38, chr10:60,186,815, plus strand): 5'-AGCGACACCATGTCCACGTGCCCTTCCTGAGCTGCGAGATGGACGGAAGCAATTCCTTGC[C>T]GGGTAACTGCGTTGGCATCAGCACCATATTCCAGCAGAGTTGTCGCTATGTCCATCTGGT-3'
Protein context (NP_066267.2, residues 652-672): EYGADANAVT[Arg662Gln]QGIASVHLAA